The following is an entry in ClinVar:

ClinVar aggregate classification (germline): Likely benign (1 of 4 stars; one submission).

Allele frequency attached by ClinVar (database versions not stated): ESP Exome Variant Server 0.00016; 1000 Genomes Project 0.00020; 1000 Genomes Project 30x 0.00031; ExAC 0.00099.
gnomAD v4.1: 376 of 1,544,546 alleles (0.024%); highest among the groups gnomAD compares: Middle Eastern, 0.1%; 1 homozygote.

Submission:

CeGaT Center for Human Genetics Tuebingen
Classification: Likely benign. Last evaluated: 2022-12-01. Review status: criteria provided, single submitter. Criteria: CeGaT Center For Human Genetics Tuebingen Variant Classification Criteria Version 2. Collection method: clinical testing. Allele origin: germline. Affected: yes. Observed: 1 variant allele.
Comment: GSDMD: BP4, BP7

NM_024736.7(GSDMD):c.1095G>A (p.Pro365=)

Gene: GSDMD (gasdermin D; plus strand). Cytogenetic location: 8q24.3.
Variant type: single nucleotide variant.
Coding change: c.1095G>A on transcript NM_024736.7 (MANE Select); coding-DNA position 1095, G replaced by A.
Protein change: p.Pro365=; no amino-acid change (proline 365 retained).
Molecular consequence: synonymous variant.
Genome position (GRCh38, 1-based): chr8:143,562,307, G>A. VCF-style: chr8-143562307-G-A. GRCh37 (hg19) VCF-style: chr8-144644477-G-A.
Other names: c.1095G>A, p.Pro365= (NM_001166237.1).
Identifiers: ClinVar variation 2658900 (VCV002658900.24), dbSNP rs373406712, ClinGen allele CA4911566.